The following is an entry in ClinVar:

ClinVar aggregate classification (germline): Uncertain significance (1 of 4 stars; one submission).

gnomAD v4.1: 2 of 1,609,472 alleles (0.00012%); highest among the groups gnomAD compares: Non-Finnish European, 0.00017%; no homozygotes.

Submission:

GeneDx
Classification: Uncertain significance. Last evaluated: 2024-10-24. Review status: criteria provided, single submitter. Criteria: GeneDx Variant Classification Process June 2021. Collection method: clinical testing. Allele origin: germline. Affected: yes.
Comment: Not observed at significant frequency in large population cohorts (gnomAD); In silico analysis supports that this missense variant does not alter protein structure/function; Has not been previously published as pathogenic or benign to our knowledge

NM_001170629.2(CHD8):c.3515G>A (p.Arg1172Lys)

Gene: CHD8 (chromodomain helicase DNA binding protein 8; minus strand). Cytogenetic location: 14q11.2.
Variant type: single nucleotide variant.
Coding change: c.3515G>A on transcript NM_001170629.2 (MANE Select); coding-DNA position 3515, G replaced by A.
Protein change: p.Arg1172Lys; replaces arginine 1172 with lysine.
Molecular consequence: missense variant.
Genome position (GRCh38, 1-based): chr14:21,403,456, C>T on the plus strand (G>A on the coding strand, the complement: CHD8 is on the minus strand). VCF-style: chr14-21403456-C-T. GRCh37 (hg19) VCF-style: chr14-21871615-C-T.
Other names: c.2678G>A, p.Arg893Lys (NM_020920.4); short protein forms R1172K, R893K.
Identifiers: ClinVar variation 3893332 (VCV003893332.1).